The following is an entry in ClinVar:

ClinVar aggregate classification (germline): Uncertain significance (1 of 4 stars; one submission).

gnomAD v4.1: 10 of 1,612,734 alleles (0.00062%); highest among the groups gnomAD compares: South Asian, 0.0099%; 1 homozygote.

Submission:

Labcorp Genetics (formerly Invitae), Labcorp
Classification: Uncertain significance. Last evaluated: 2025-01-23. Review status: criteria provided, single submitter. Criteria: Invitae Variant Classification Sherloc (09022015). Collection method: clinical testing. Allele origin: germline.
Comment: This sequence change replaces glycine, which is neutral and non-polar, with aspartic acid, which is acidic and polar, at codon 320 of the PNLIP protein (p.Gly320Asp). This variant is present in population databases (rs753689375, gnomAD 0.003%). This variant has not been reported in the literature in individuals affected with PNLIP-related conditions. Invitae Evidence Modeling of protein sequence and biophysical properties (such as structural, functional, and spatial information, amino acid conservation, physicochemical variation, residue mobility, and thermodynamic stability) has been performed for this missense variant. However, the output from this modeling did not meet the statistical confidence thresholds required to predict the impact of this variant on PNLIP protein function. In summary, the available evidence is currently insufficient to determine the role of this variant in disease. Therefore, it has been classified as a Variant of Uncertain Significance.

NM_000936.4(PNLIP):c.959G>A (p.Gly320Asp)

Gene: PNLIP (pancreatic lipase; plus strand). Cytogenetic location: 10q25.3.
Variant type: single nucleotide variant.
Coding change: c.959G>A on transcript NM_000936.4 (MANE Select); coding-DNA position 959, G replaced by A.
Protein change: p.Gly320Asp; replaces glycine 320 with aspartic acid.
Molecular consequence: missense variant.
Genome position (GRCh38, 1-based): chr10:116,559,182, G>A. VCF-style: chr10-116559182-G-A. GRCh37 (hg19) VCF-style: chr10-118318694-G-A.
Other names: short protein forms G320D.
Identifiers: ClinVar variation 3618578 (VCV003618578.2).